The following is an entry in ClinVar:

ClinVar aggregate classification (germline): Uncertain significance (1 of 4 stars; one submission).

Conditions:
Deficiency of adenosine deaminase 2. Also called: Adenosine Deaminase 2 Deficiency; VASCULITIS, AUTOINFLAMMATION, IMMUNODEFICIENCY, AND HEMATOLOGIC DEFECTS SYNDROME; Polyarteritis nodosa, childhoood-onset. Identifiers: Orphanet 404553, MedGen C3887654, MONDO:0014306, OMIM 615688, MONDO:0100317.

Allele frequency attached by ClinVar (database versions not stated): gnomAD exomes below 0.00001.
gnomAD v4.1: 1 of 1,614,158 alleles (0.000062%); highest among the groups gnomAD compares: Admixed American, 0.0017%; no homozygotes.

Submission:

Labcorp Genetics (formerly Invitae), Labcorp
Classification: Uncertain significance for Deficiency of adenosine deaminase 2. Last evaluated: 2025-02-27. Review status: criteria provided, single submitter. Criteria: Invitae Variant Classification Sherloc (09022015). Collection method: clinical testing. Allele origin: germline.
Comment: This sequence change replaces serine, which is neutral and polar, with proline, which is neutral and non-polar, at codon 156 of the ADA2 protein (p.Ser156Pro). This variant is not present in population databases (gnomAD no frequency). This variant has not been reported in the literature in individuals affected with ADA2-related conditions. ClinVar contains an entry for this variant (Variation ID: 2079570). An algorithm developed to predict the effect of missense changes on protein structure and function outputs the following: PolyPhen-2: "Benign". The proline amino acid residue is found in multiple mammalian species, which suggests that this missense change does not adversely affect protein function. In summary, the available evidence is currently insufficient to determine the role of this variant in disease. Therefore, it has been classified as a Variant of Uncertain Significance.

NM_001282225.2(ADA2):c.466T>C (p.Ser156Pro)

Gene: ADA2 (adenosine deaminase 2; minus strand). Cytogenetic location: 22q11.1.
Variant type: single nucleotide variant.
Coding change: c.466T>C on transcript NM_001282225.2 (MANE Select); coding-DNA position 466, T replaced by C.
Protein change: p.Ser156Pro; replaces serine 156 with proline.
Molecular consequence: missense variant.
Genome position (GRCh38, 1-based): chr22:17,207,147, A>G on the plus strand (T>C on the coding strand, the complement: ADA2 is on the minus strand). VCF-style: chr22-17207147-A-G. GRCh37 (hg19) VCF-style: chr22-17688037-A-G.
Other names: c.466T>C, p.Ser156Pro (NM_001282226.2); c.340T>C, p.Ser114Pro (NM_001282227.2, NM_001282228.2); c.106T>C, p.Ser36Pro (NM_001282229.2); short protein forms S114P, S156P, S36P.
Identifiers: ClinVar variation 2079570 (VCV002079570.3), dbSNP rs2517354266, ClinGen allele CA410229647.